The following is an entry in ClinVar:

ClinVar aggregate classification (germline): Likely benign. Review status: criteria provided, multiple submitters, no conflicts (2 of 4 stars). 6 submissions from 6 submitters: Likely benign (5). 1 of the submissions does not count toward it. Last evaluated 2026-05-01.

Conditions:
Neuronopathy, distal hereditary motor, autosomal recessive 4. Also called: Autosomal recessive lower motor neuron disease with childhood onset; NEUROPATHY, DISTAL HEREDITARY MOTOR, AUTOSOMAL RECESSIVE 4. Identifiers: Orphanet 206580, MedGen C1970211, MONDO:0012608, OMIM 611067.
Charcot-Marie-Tooth disease recessive intermediate C. Also called: CHARCOT-MARIE-TOOTH NEUROPATHY, RECESSIVE INTERMEDIATE C. Identifiers: Orphanet 369867, MedGen C3809309, MONDO:0014154, OMIM 615376.
Inborn genetic diseases. Identifiers: MedGen C0950123, MeSH D030342.
PLEKHG5-related disorder. Also called: PLEKHG5-related condition.

Allele frequency attached by ClinVar (database versions not stated): TOPMed 0.00010.
gnomAD v4.1: 384 of 1,612,730 alleles (0.024%); highest among the groups gnomAD compares: Non-Finnish European, 0.029%; no homozygotes.

Submissions (6):

CeGaT Center for Human Genetics Tuebingen
Classification: Likely benign. Last evaluated: 2026-05-01. Review status: criteria provided, single submitter. Criteria: CeGaT Center For Human Genetics Tuebingen Variant Classification Criteria Version 2. Collection method: clinical testing. Allele origin: germline. Affected: yes. Observed: 1 variant allele.
Comment: PLEKHG5: BP4, BP7

Labcorp Genetics (formerly Invitae), Labcorp
Classification: Likely benign for Neuronopathy, distal hereditary motor, autosomal recessive 4; Charcot-Marie-Tooth disease recessive intermediate C. Last evaluated: 2026-02-01. Review status: criteria provided, single submitter. Criteria: Invitae Variant Classification Sherloc (09022015). Collection method: clinical testing. Allele origin: germline.

Blueprint Genetics
Classification: Likely benign. Last evaluated: 2024-08-07. Review status: criteria provided, single submitter. Criteria: ACMG Guidelines, 2015. Collection method: clinical testing. Allele origin: germline.

Ambry Genetics
Classification: Likely benign for Inborn genetic diseases. Last evaluated: 2019-07-11. Review status: criteria provided, single submitter. Criteria: Ambry Variant Classification Scheme 2023. Collection method: clinical testing. Allele origin: germline.

GeneDx
Classification: Likely benign. Last evaluated: 2018-02-23. Review status: criteria provided, single submitter. Criteria: GeneDx Variant Classification (06012015). Collection method: clinical testing. Allele origin: germline. Affected: yes.
Comment: This variant is considered likely benign or benign based on one or more of the following criteria: it is a conservative change, it occurs at a poorly conserved position in the protein, it is predicted to be benign by multiple in silico algorithms, and/or has population frequency not consistent with disease.

PreventionGenetics, part of Exact Sciences
Classification: Likely benign for PLEKHG5-related condition. Last evaluated: 2019-06-07. Review status: no assertion criteria provided. Collection method: clinical testing. Allele origin: germline. Not counted in ClinVar's aggregate classification.
Comment: This variant is classified as likely benign based on ACMG/AMP sequence variant interpretation guidelines (Richards et al. 2015 PMID: 25741868, with internal and published modifications).

NM_020631.6(PLEKHG5):c.2319C>G (p.Pro773=)

Gene: PLEKHG5 (pleckstrin homology and RhoGEF domain containing G5; minus strand). Cytogenetic location: 1p36.31.
Variant type: single nucleotide variant.
Coding change: c.2319C>G on transcript NM_020631.6 (MANE Select); coding-DNA position 2319, C replaced by G.
Protein change: p.Pro773=; no amino-acid change (proline 773 retained).
Molecular consequence: synonymous variant.
Genome position (GRCh38, 1-based): chr1:6,468,517, G>C on the plus strand (C>G on the coding strand, the complement: PLEKHG5 is on the minus strand). VCF-style: chr1-6468517-G-C. GRCh37 (hg19) VCF-style: chr1-6528577-G-C.
Other names: c.2430C>G, p.Pro810= (NM_001042663.3, NM_001265592.2); c.2319C>G, p.Pro773= (NM_001042664.2, NM_001042665.2, NM_001265594.3 and 1 more transcripts); c.2526C>G, p.Pro842= (NM_001265593.2).
Identifiers: ClinVar variation 387804 (VCV000387804.19), dbSNP rs80031446, ClinGen allele CA561187.
Genomic context (GRCh38, chr1:6,468,517, plus strand): 5'-GGCAGTGGTGCTGAGAGAGGTCTCATCAGACTGGGAGCTGAAAGGACCGCTGTCGAACTC[G>C]GGGGAGGACAGCGTGTCCCCAGGCTCTACCACAACCATGGCCAGGGTCTCCGTGGAGCCA-3'
Protein context (NP_065682.2, residues 763-783): VVEPGDTLSS[Pro773=]EFDSGPFSSQ